The following is an entry in ClinVar:

ClinVar aggregate classification (germline): Uncertain significance (1 of 4 stars; one submission).

Allele frequency attached by ClinVar (database versions not stated): gnomAD exomes below 0.00001.
gnomAD v4.1: 1 of 1,609,344 alleles (0.000062%); highest among the groups gnomAD compares: Non-Finnish European, 0.000085%; no homozygotes.

Submission:

GeneDx
Classification: Uncertain significance. Last evaluated: 2022-05-03. Review status: criteria provided, single submitter. Criteria: GeneDx Variant Classification Process June 2021. Collection method: clinical testing. Allele origin: germline. Affected: yes.
Comment: Not observed at significant frequency in large population cohorts (gnomAD); In silico analysis supports that this missense variant does not alter protein structure/function; Has not been previously published as pathogenic or benign to our knowledge

NM_000168.6(GLI3):c.3601C>T (p.Pro1201Ser)

Gene: GLI3 (GLI family zinc finger 3; minus strand). Cytogenetic location: 7p14.1.
Variant type: single nucleotide variant.
Coding change: c.3601C>T on transcript NM_000168.6 (MANE Select); coding-DNA position 3601, C replaced by T.
Protein change: p.Pro1201Ser; replaces proline 1201 with serine.
Molecular consequence: missense variant.
Genome position (GRCh38, 1-based): chr7:41,965,472, G>A on the plus strand (C>T on the coding strand, the complement: GLI3 is on the minus strand). VCF-style: chr7-41965472-G-A. GRCh37 (hg19) VCF-style: chr7-42005070-G-A.
Other names: short protein forms P1201S.
Identifiers: ClinVar variation 1723122 (VCV001723122.2), dbSNP rs1787140838, ClinGen allele CA367317694.